The following is an entry in ClinVar:

NM_002408.4(MGAT2):c.862G>A (p.Val288Ile)

Gene: MGAT2 (alpha-1,6-mannosyl-glycoprotein 2-beta-N-acetylglucosaminyltransferase; plus strand). Cytogenetic location: 14q21.3.
Variant type: single nucleotide variant.
Coding change: c.862G>A on transcript NM_002408.4 (MANE Select); coding-DNA position 862, G replaced by A.
Protein change: p.Val288Ile; replaces valine 288 with isoleucine.
Molecular consequence: missense variant.
Genome position (GRCh38, 1-based): chr14:49,622,130, G>A. VCF-style: chr14-49622130-G-A. GRCh37 (hg19) VCF-style: chr14-50088848-G-A.
Other names: short protein forms V288I.
Identifiers: ClinVar variation 568996 (VCV000568996.1), dbSNP rs1455410429, ClinGen allele CA389620796.
Genomic context (GRCh38, chr14:49,622,130, plus strand): 5'-TTTTACCATGTCTTCAAAAAGATGTGGAAACTGAAGCAGCAAGAGTGCCCTGAATGTGAT[G>A]TTCTCTCCCTGGGGACCTATAGTGCCAGTCGCAGTTTCTATGGCATGGCTGACAAGGTAG-3'
Protein context (NP_002399.1, residues 278-298): LKQQECPECD[Val288Ile]LSLGTYSASR

ClinVar aggregate classification (germline): Uncertain significance (1 of 4 stars; one submission).

Conditions:
MGAT2-congenital disorder of glycosylation. Also called: Congenital disorder of glycosylation, type IIa; CDG IIa; MENTAL RETARDATION, GROWTH RETARDATION, PROMINENT COLUMELLA, AND OPEN MOUTH; Alkuraya syndrome; MGAT2-CDG. Identifiers: Orphanet 79329, MedGen C2931008, MONDO:0008908, OMIM 212066.

Allele frequency attached by ClinVar (database versions not stated): gnomAD exomes below 0.00001; gnomAD 0.00001; TOPMed 0.00002.
gnomAD v4.1: 3 of 1,614,108 alleles (0.00019%); highest among the groups gnomAD compares: Admixed American, 0.0033%; no homozygotes.

Submission:

Labcorp Genetics (formerly Invitae), Labcorp
Classification: Uncertain significance for MGAT2-congenital disorder of glycosylation. Last evaluated: 2018-06-12. Review status: criteria provided, single submitter. Criteria: Invitae Variant Classification Sherloc (09022015). Collection method: clinical testing. Allele origin: germline.
Comment: This sequence change replaces valine with isoleucine at codon 288 of the MGAT2 protein (p.Val288Ile). The valine residue is moderately conserved and there is a small physicochemical difference between valine and isoleucine. This variant is not present in population databases (ExAC no frequency). This variant has not been reported in the literature in individuals with MGAT2-related disease. Algorithms developed to predict the effect of missense changes on protein structure and function (SIFT, PolyPhen-2, Align-GVGD) all suggest that this variant is likely to be tolerated, but these predictions have not been confirmed by published functional studies and their clinical significance is uncertain. In summary, the available evidence is currently insufficient to determine the role of this variant in disease. Therefore, it has been classified as a Variant of Uncertain Significance.